The following is an entry in ClinVar:

NM_000187.4(HGD):c.368G>A (p.Gly123Glu)

Gene: HGD (homogentisate 1,2-dioxygenase; minus strand). Cytogenetic location: 3q13.33.
Variant type: single nucleotide variant.
Coding change: c.368G>A on transcript NM_000187.4 (MANE Select); coding-DNA position 368, G replaced by A.
Protein change: p.Gly123Glu; replaces glycine 123 with glutamic acid.
Molecular consequence: missense variant.
Genome position (GRCh38, 1-based): chr3:120,650,840, C>T on the plus strand (G>A on the coding strand, the complement: HGD is on the minus strand). VCF-style: chr3-120650840-C-T. GRCh37 (hg19) VCF-style: chr3-120369687-C-T.
Other names: short protein forms G123E.
Identifiers: ClinVar variation 1513681 (VCV001513681.7), dbSNP rs374473331, ClinGen allele CA81789630.

ClinVar aggregate classification (germline): Conflicting classifications of pathogenicity. Review status: criteria provided, conflicting classifications (1 of 4 stars). 2 submissions from 2 submitters: Likely pathogenic (1); Uncertain significance (1). Last evaluated 2024-06-10.

Conditions:
Alkaptonuria (AKU). Also called: HOMOGENTISIC ACID OXIDASE DEFICIENCY; Alcaptonuria; Homogentisic acidura; Alkaptonuric ochronosis. Identifiers: Orphanet 56, MedGen C0002066, MONDO:0008753, OMIM 203500.

Allele frequency attached by ClinVar (database versions not stated): gnomAD exomes below 0.00001; TOPMed 0.00001; ESP Exome Variant Server 0.00008.
gnomAD v4.1: 1 of 1,613,962 alleles (0.000062%); highest among the groups gnomAD compares: African/African-American, 0.0013%; no homozygotes.

Submissions (2):

Fulgent Genetics
Classification: Uncertain significance for Alkaptonuria. Last evaluated: 2024-06-10. Review status: criteria provided, single submitter. Criteria: ACMG Guidelines, 2015. Collection method: clinical testing. Allele origin: germline.

Labcorp Genetics (formerly Invitae), Labcorp
Classification: Likely pathogenic for Alkaptonuria. Last evaluated: 2021-11-13. Review status: criteria provided, single submitter. Criteria: Invitae Variant Classification Sherloc (09022015). Collection method: clinical testing. Allele origin: germline.
Comment: In summary, the currently available evidence indicates that the variant is pathogenic, but additional data are needed to prove that conclusively. Therefore, this variant has been classified as Likely Pathogenic. This variant disrupts the p.Gly123 amino acid residue in HGD. Other variant(s) that disrupt this residue have been determined to be pathogenic (PMID: 19862842, 25681086). This suggests that this residue is clinically significant, and that variants that disrupt this residue are likely to be disease-causing. Advanced modeling of protein sequence and biophysical properties (such as structural, functional, and spatial information, amino acid conservation, physicochemical variation, residue mobility, and thermodynamic stability) performed at Invitae indicates that this missense variant is expected to disrupt HGD protein function. This variant has not been reported in the literature in individuals affected with HGD-related conditions. This variant is present in population databases (rs374473331, gnomAD 0.007%). This sequence change replaces glycine, which is neutral and non-polar, with glutamic acid, which is acidic and polar, at codon 123 of the HGD protein (p.Gly123Glu).

Literature cited by the submitters: PubMed 19862842 (cited by Labcorp Genetics (formerly Invitae), Labcorp); PubMed 25681086 (cited by Labcorp Genetics (formerly Invitae), Labcorp).